The following is an entry in ClinVar:

ClinVar aggregate classification (germline): Uncertain significance (1 of 4 stars; one submission).

Conditions:
Zellweger spectrum disorders (ZS). Also called: Zellweger Spectrum Disorder (ZSD); Zellweger syndrome; Zellweger Spectrum Disorder; Zellweger Spectrum. Identifiers: Orphanet 912, MedGen C0043459, MONDO:0019609.

Allele frequency attached by ClinVar (database versions not stated): gnomAD exomes below 0.00001.
gnomAD v4.1: 1 of 1,613,908 alleles (0.000062%); highest among the groups gnomAD compares: Non-Finnish European, 0.000085%; no homozygotes.

Submission:

Labcorp Genetics (formerly Invitae), Labcorp
Classification: Uncertain significance for Zellweger spectrum disorders. Last evaluated: 2021-09-21. Review status: criteria provided, single submitter. Criteria: Invitae Variant Classification Sherloc (09022015). Collection method: clinical testing. Allele origin: germline.
Comment: This sequence change replaces proline with leucine at codon 823 of the PEX1 protein (p.Pro823Leu). The proline residue is highly conserved and there is a moderate physicochemical difference between proline and leucine. This variant is not present in population databases (ExAC no frequency). This variant has not been reported in the literature in individuals affected with PEX1-related conditions. Advanced modeling of protein sequence and biophysical properties (such as structural, functional, and spatial information, amino acid conservation, physicochemical variation, residue mobility, and thermodynamic stability) performed at Invitae indicates that this missense variant is expected to disrupt PEX1 protein function. In summary, the available evidence is currently insufficient to determine the role of this variant in disease. Therefore, it has been classified as a Variant of Uncertain Significance.

NM_000466.3(PEX1):c.2468C>T (p.Pro823Leu)

Gene: PEX1 (peroxisomal biogenesis factor 1; minus strand). Cytogenetic location: 7q21.2.
Variant type: single nucleotide variant.
Coding change: c.2468C>T on transcript NM_000466.3 (MANE Select); coding-DNA position 2468, C replaced by T.
Protein change: p.Pro823Leu; replaces proline 823 with leucine.
Molecular consequence: missense variant.
Genome position (GRCh38, 1-based): chr7:92,501,622, G>A on the plus strand (C>T on the coding strand, the complement: PEX1 is on the minus strand). VCF-style: chr7-92501622-G-A. GRCh37 (hg19) VCF-style: chr7-92130936-G-A.
Other names: c.2297C>T, p.Pro766Leu (NM_001282677.2); c.1844C>T, p.Pro615Leu (NM_001282678.2); short protein forms P615L, P766L, P823L.
Identifiers: ClinVar variation 1368852 (VCV001368852.5), dbSNP rs2116145764, ClinGen allele CA368175998.
Genomic context (GRCh38, chr7:92,501,622, plus strand): 5'-CCAATCTTGTCCCAACCCAGGTCTCTAGGTTTATGCAGGTTGACACTTCGCAAAGACGCA[G>A]GAAGAAATCCGCGGAGAGCCTTTTGGAAGTCCAATGTTGTTAAAACTAATTCTGTTTAAA-3'
Protein context (NP_000457.1, residues 813-833): DFQKALRGFL[Pro823Leu]ASLRSVNLHK